The following is an entry in ClinVar:

ClinVar aggregate classification (germline): Pathogenic (1 of 4 stars; one submission).

Conditions:
Cohen syndrome (COH1). Also called: PEPPER SYNDROME; Cutis verticis gyrata, retinitis pigmentosa, and sensorineural deafness. Identifiers: Orphanet 193, MedGen C0265223, MONDO:0008999, OMIM 216550.

Submission:

Labcorp Genetics (formerly Invitae), Labcorp
Classification: Pathogenic for Cohen syndrome. Last evaluated: 2017-12-05. Review status: criteria provided, single submitter. Criteria: Invitae Variant Classification Sherloc (09022015). Collection method: clinical testing. Allele origin: germline.
Comment: This variant is an in-frame deletion of the genomic region encompassing exons 18-21 of the VPS13B gene. It preserves the integrity of the reading frame. This variant has been observed on the opposite chromosome (in trans) from a pathogenic variant in an individual affected with Cohen syndrome (PMID: 16648375). This finding is consistent with autosomal recessive inheritance, and suggests that this variant contributes to disease. For these reasons, this variant has been classified as Pathogenic.

Literature cited by the submitters: PubMed 16648375.

NC_000008.11:g.(?_99209572)_(99391724_?)del

Gene: VPS13B (vacuolar protein sorting 13 homolog B; plus strand). Cytogenetic location: 8q22.2.
Variant type: Deletion.
Identifiers: ClinVar variation 528872 (VCV000528872.1).